The following is an entry in ClinVar:

ClinVar aggregate classification (germline): Benign. Review status: criteria provided, multiple submitters, no conflicts (2 of 4 stars). 2 submissions from 2 submitters: Benign (2). Last evaluated 2016-03-29.

Allele frequency attached by ClinVar (database versions not stated): 1000 Genomes Project 0.36941; 1000 Genomes Project 30x 0.37367; gnomAD 0.38055 and 0.38157; gnomAD exomes 0.40389; ESP Exome Variant Server 0.37113; ExAC 0.40881; TOPMed 0.37797.
gnomAD v4.1: 632,463 of 1,543,320 alleles (41%); highest among the groups gnomAD compares: Admixed American, 52%; 132,097 homozygotes.

Submissions (2):

Laboratory for Molecular Medicine, Mass General Brigham Personalized Medicine
Classification: Benign. Last evaluated: 2016-03-29. Review status: criteria provided, single submitter. Criteria: LMM Criteria. Collection method: clinical testing. Allele origin: germline.
Comment: Variant identified in a genome or exome case(s) and assessed due to predicted null impact of the variant or pathogenic assertions in the literature or databases. Disclaimer: This variant has not undergone full assessment. The following are preliminary notes: MAF

Breakthrough Genomics
Classification: Benign. Review status: criteria provided, single submitter. Criteria: ACMG Guidelines, 2015. Collection method: not provided. Allele origin: germline. Inheritance: Unknown mechanism. Affected: yes.

NC_000009.12:g.136377606A>G

Genes: CARD9 (caspase recruitment domain family member 9; minus strand), SNAPC4 (small nuclear RNA activating complex polypeptide 4; minus strand). Cytogenetic location: 9q34.3.
Variant type: single nucleotide variant.
Molecular consequence: synonymous variant (on NM_003086.4).
Genome position: GRCh38 VCF-style: chr9-136377606-A-G. GRCh37 (hg19) VCF-style: chr9-139272058-A-G.
Other names: c.4221T>C, p.Ser1407= (NM_001394201.1, NM_003086.4); c.4137T>C, p.Ser1379= (NM_001394202.1, NM_001394203.1).
Identifiers: ClinVar variation 402489 (VCV000402489.6), dbSNP rs10781507, ClinGen allele CA5333393.